The following is an entry in ClinVar:

ClinVar aggregate classification (germline): Uncertain significance (1 of 4 stars; one submission).

Conditions:
Bethlem myopathy 2 (BTHLM2). Identifiers: Orphanet 536516, Orphanet 610, MedGen C4225313, MONDO:0034022, OMIM 616471.
Ullrich congenital muscular dystrophy 2 (UCMD2). Identifiers: Orphanet 75840, MedGen C4225314, MONDO:0014654, OMIM 616470.

Allele frequency attached by ClinVar (database versions not stated): gnomAD exomes 0.00001 and 0.00003; 1000 Genomes Project 30x 0.00031; gnomAD 0.00001; TOPMed 0.00001; ExAC 0.00004; 1000 Genomes Project 0.00040.

Submission:

Labcorp Genetics (formerly Invitae), Labcorp
Classification: Uncertain significance for Bethlem myopathy 2; Ullrich congenital muscular dystrophy 2. Last evaluated: 2026-01-18. Review status: criteria provided, single submitter. Criteria: Invitae Variant Classification Sherloc (09022015). Collection method: clinical testing. Allele origin: germline.
Comment: This sequence change replaces valine, which is neutral and non-polar, with glutamic acid, which is acidic and polar, at codon 722 of the COL12A1 protein (p.Val722Glu). This variant is present in population databases (rs199503279, gnomAD 0.01%). This variant has not been reported in the literature in individuals affected with COL12A1-related conditions. ClinVar contains an entry for this variant (Variation ID: 1381240). An algorithm developed to predict the effect of missense changes on protein structure and function (PolyPhen-2) suggests that this variant is likely to be disruptive. In summary, the available evidence is currently insufficient to determine the role of this variant in disease. Therefore, it has been classified as a Variant of Uncertain Significance.

NM_004370.6(COL12A1):c.2165T>A (p.Val722Glu)

Gene: COL12A1 (collagen type XII alpha 1 chain; minus strand). Cytogenetic location: 6q13.
Variant type: single nucleotide variant.
Coding change: c.2165T>A on transcript NM_004370.6 (MANE Select); coding-DNA position 2165, T replaced by A.
Protein change: p.Val722Glu; replaces valine 722 with glutamic acid.
Molecular consequence: missense variant. On other transcripts: intron variant (1).
Genome position (GRCh38, 1-based): chr6:75,177,935, A>T on the plus strand (T>A on the coding strand, the complement: COL12A1 is on the minus strand). VCF-style: chr6-75177935-A-T. GRCh37 (hg19) VCF-style: chr6-75887651-A-T.
Other names: c.73+24785T>A (NM_080645.3); short protein forms V722E.
Identifiers: ClinVar variation 1381240 (VCV001381240.6), dbSNP rs199503279, ClinGen allele CA3894036.